The following is an entry in ClinVar:

ClinVar aggregate classification (germline): Uncertain significance (1 of 4 stars; one submission).

gnomAD v4.1: 1 of 1,511,316 alleles (0.000066%); highest among the groups gnomAD compares: African/African-American, 0.0014%; no homozygotes.

Submission:

Labcorp Genetics (formerly Invitae), Labcorp
Classification: Uncertain significance. Last evaluated: 2025-07-22. Review status: criteria provided, single submitter. Criteria: Invitae Variant Classification Sherloc (09022015). Collection method: clinical testing. Allele origin: germline.
Comment: This sequence change replaces serine, which is neutral and polar, with arginine, which is basic and polar, at codon 436 of the SUCLG2 protein (p.Ser436Arg). This variant is present in population databases (no rsID available, gnomAD 0.01%). This variant has not been reported in the literature in individuals affected with SUCLG2-related conditions. An algorithm developed to predict the effect of missense changes on protein structure and function (PolyPhen-2) suggests that this variant is likely to be tolerated. In summary, the available evidence is currently insufficient to determine the role of this variant in disease. Therefore, it has been classified as a Variant of Uncertain Significance.

NC_000003.12:g.67360646T>G

Gene: SUCLG2 (succinate-CoA ligase GDP-forming subunit beta; minus strand). Cytogenetic location: 3p14.1.
Variant type: single nucleotide variant.
Molecular consequence: missense variant (on NM_001177599.2).
Genome position: GRCh38 VCF-style: chr3-67360646-T-G. GRCh37 (hg19) VCF-style: chr3-67411070-T-G.
Other names: c.1306A>C, p.Ser436Arg (NM_001177599.2); short protein forms S436R.
Identifiers: ClinVar variation 4771248 (VCV004771248.1).